The following is an entry in ClinVar:

ClinVar aggregate classification (germline): Uncertain significance (1 of 4 stars; one submission).

Conditions:
Epileptic encephalopathy. Identifiers: MedGen C0543888, HP:0200134.

Allele frequency attached by ClinVar (database versions not stated): TOPMed 0.00002; 1000 Genomes Project 0.00040; gnomAD 0.00001 and 0.00003; gnomAD exomes 0.00004 and 0.00002; 1000 Genomes Project 30x 0.00047; ExAC 0.00013.
gnomAD v4.1: 35 of 1,554,312 alleles (0.0023%); highest among the groups gnomAD compares: African/African-American, 0.011%; no homozygotes.

Submission:

Labcorp Genetics (formerly Invitae), Labcorp
Classification: Uncertain significance for Epileptic encephalopathy. Last evaluated: 2022-06-20. Review status: criteria provided, single submitter. Criteria: Invitae Variant Classification Sherloc (09022015). Collection method: clinical testing. Allele origin: germline.
Comment: ClinVar contains an entry for this variant (Variation ID: 530965). This variant has not been reported in the literature in individuals affected with FASN-related conditions. This variant is present in population databases (rs571435935, gnomAD 0.07%). This sequence change replaces arginine, which is basic and polar, with histidine, which is basic and polar, at codon 1666 of the FASN protein (p.Arg1666His). Algorithms developed to predict the effect of missense changes on protein structure and function are either unavailable or do not agree on the potential impact of this missense change (SIFT: "Deleterious"; PolyPhen-2: "Benign"; Align-GVGD: "Class C0"). In summary, the available evidence is currently insufficient to determine the role of this variant in disease. Therefore, it has been classified as a Variant of Uncertain Significance.

NM_004104.5(FASN):c.4997G>A (p.Arg1666His)

Gene: FASN (fatty acid synthase; minus strand). Cytogenetic location: 17q25.3.
Variant type: single nucleotide variant.
Coding change: c.4997G>A on transcript NM_004104.5 (MANE Select); coding-DNA position 4997, G replaced by A.
Protein change: p.Arg1666His; replaces arginine 1666 with histidine.
Molecular consequence: missense variant.
Genome position (GRCh38, 1-based): chr17:82,084,076, C>T on the plus strand (G>A on the coding strand, the complement: FASN is on the minus strand). VCF-style: chr17-82084076-C-T. GRCh37 (hg19) VCF-style: chr17-80041952-C-T.
Other names: short protein forms R1666H.
Identifiers: ClinVar variation 530965 (VCV000530965.9), dbSNP rs571435935, ClinGen allele CA8851865.